The following is an entry in ClinVar:

NM_020549.5(CHAT):c.973A>G (p.Ser325Gly)

Gene: CHAT (choline O-acetyltransferase; plus strand). Cytogenetic location: 10q11.23.
Variant type: single nucleotide variant.
Coding change: c.973A>G on transcript NM_020549.5 (MANE Select); coding-DNA position 973, A replaced by G.
Protein change: p.Ser325Gly; replaces serine 325 with glycine.
Molecular consequence: missense variant.
Genome position (GRCh38, 1-based): chr10:49,627,647, A>G. VCF-style: chr10-49627647-A-G. GRCh37 (hg19) VCF-style: chr10-50835693-A-G.
Other names: c.619A>G, p.Ser207Gly (NM_001142929.2, NM_001142934.2, NM_020984.4 and 2 more transcripts); c.727A>G, p.Ser243Gly (NM_001142933.2); short protein forms S243G, S207G, S325G.
Identifiers: ClinVar variation 855845 (VCV000855845.9), dbSNP rs1838968738, ClinGen allele CA376731063.
Genomic context (GRCh38, chr10:49,627,647, plus strand): 5'-TTTGACCTGTTTACCCCACAGTTCTTTGTCTTGGATGTTGTCATTAATTTCCGCCGTCTC[A>G]GTGAGGGGGATCTGTTCACTCAGTTGAGAAAGATAGTCAAAATGGCTTCCAACGAGGACG-3'
Protein context (NP_065574.4, residues 315-335): LDVVINFRRL[Ser325Gly]EGDLFTQLRK

ClinVar aggregate classification (germline): Uncertain significance (1 of 4 stars; one submission).

Conditions:
Familial infantile myasthenia (CMS6). Also called: Congenital myasthenic syndrome type 6; MYASTHENIC SYNDROME, PRESYNAPTIC, CONGENITAL, ASSOCIATED WITH EPISODIC APNEA; MYASTHENIC SYNDROME, CONGENITAL, 6, PRESYNAPTIC. Identifiers: Orphanet 590, MedGen C0393929, MONDO:0009689, OMIM 254210.

Submission:

Labcorp Genetics (formerly Invitae), Labcorp
Classification: Uncertain significance for Familial infantile myasthenia. Last evaluated: 2019-12-04. Review status: criteria provided, single submitter. Criteria: Invitae Variant Classification Sherloc (09022015). Collection method: clinical testing. Allele origin: germline.
Comment: In summary, the available evidence is currently insufficient to determine the role of this variant in disease. Therefore, it has been classified as a Variant of Uncertain Significance. Algorithms developed to predict the effect of sequence changes on RNA splicing suggest that this variant may create or strengthen a splice site, but this prediction has not been confirmed by published transcriptional studies. Algorithms developed to predict the effect of missense changes on protein structure and function are either unavailable or do not agree on the potential impact of this missense change (SIFT: "Deleterious"; PolyPhen-2: "Possibly Damaging"; Align-GVGD: "Class C0"). This variant has not been reported in the literature in individuals with CHAT-related conditions. This variant is not present in population databases (ExAC no frequency). This sequence change replaces serine with glycine at codon 325 of the CHAT protein (p.Ser325Gly). The serine residue is highly conserved and there is a small physicochemical difference between serine and glycine.